The following is an entry in ClinVar:

ClinVar aggregate classification (germline): Benign/Likely benign. Review status: criteria provided, multiple submitters, no conflicts (2 of 4 stars). 7 submissions from 7 submitters: Benign (3); Likely benign (3). 1 of the submissions does not count toward it. Last evaluated 2026-02-01.

Conditions:
Biotinidase deficiency. Also called: BTD deficiency; Late-onset biotin-responsive multiple carboxylase deficiency; Biotin deficiency. Identifiers: Orphanet 79241, MedGen C0220754, MONDO:0009665, OMIM 253260.

Allele frequency attached by ClinVar (database versions not stated): ESP Exome Variant Server 0.00008; gnomAD 0.00086; TOPMed 0.00137; 1000 Genomes Project 30x 0.00297; 1000 Genomes Project 0.00300.
gnomAD v4.1: 1,155 of 1,614,096 alleles (0.072%); highest among the groups gnomAD compares: East Asian, 2%; 11 homozygotes.

Submissions (7):

Labcorp Genetics (formerly Invitae), Labcorp
Classification: Benign for Biotinidase deficiency. Last evaluated: 2026-02-01. Review status: criteria provided, single submitter. Criteria: Invitae Variant Classification Sherloc (09022015). Collection method: clinical testing. Allele origin: germline.

Blueprint Genetics
Classification: Likely benign. Last evaluated: 2024-10-25. Review status: criteria provided, single submitter. Criteria: ACMG Guidelines, 2015. Collection method: clinical testing. Allele origin: germline.

Genome-Nilou Lab
Classification: Likely benign for Biotinidase deficiency. Last evaluated: 2021-05-18. Review status: criteria provided, single submitter. Criteria: ACMG Guidelines, 2015. Collection method: clinical testing. Allele origin: germline. Affected: no.

Quest Diagnostics Nichols Institute San Juan Capistrano
Classification: Benign. Last evaluated: 2020-08-10. Review status: criteria provided, single submitter. Criteria: Quest Diagnostics criteria. Collection method: clinical testing. Allele origin: unknown.

Eurofins Ntd Llc (ga)
Classification: Benign. Last evaluated: 2015-08-28. Review status: criteria provided, single submitter. Criteria: EGL Classification Definitions 2015. Collection method: clinical testing. Allele origin: germline. Observed: 1 variant allele, 1 heterozygote.

GeneDx
Classification: Likely benign. Last evaluated: 2015-08-10. Review status: criteria provided, single submitter. Criteria: GeneDx Variant Classification (06012015). Collection method: clinical testing. Allele origin: germline. Affected: yes.
Comment: This variant is considered likely benign or benign based on one or more of the following criteria: it is a conservative change, it occurs at a poorly conserved position in the protein, it is predicted to be benign by multiple in silico algorithms, and/or has population frequency not consistent with disease.

Natera, Inc.
Classification: Benign for Biotinidase deficiency. Last evaluated: 2019-10-21. Review status: no assertion criteria provided. Collection method: clinical testing. Allele origin: germline. Not counted in ClinVar's aggregate classification.

NM_001370658.1(BTD):c.1041C>T (p.Gly347=)

Gene: BTD (biotinidase; plus strand). Cytogenetic location: 3p25.1.
Variant type: single nucleotide variant.
Coding change: c.1041C>T on transcript NM_001370658.1 (MANE Select); coding-DNA position 1041, C replaced by T.
Protein change: p.Gly347=; no amino-acid change (glycine 347 retained).
Molecular consequence: synonymous variant. On other transcripts: intron variant (8).
Genome position (GRCh38, 1-based): chr3:15,644,957, C>T. VCF-style: chr3-15644957-C-T. GRCh37 (hg19) VCF-style: chr3-15686464-C-T.
Other names: c.1101C>T, p.Gly367= (NM_000060.4); c.1041C>T, p.Gly347= (NM_001281723.4, NM_001281724.3, NM_001281725.3 and 16 more transcripts); c.1015+26C>T (NM_001370752.1, NM_001407379.1); c.399+2900C>T (NM_001370753.1, NM_001407400.1, NM_001407380.1 and 3 more transcripts).
Identifiers: ClinVar variation 282920 (VCV000282920.25), dbSNP rs142421934, ClinGen allele CA2277421.